The following is an entry in ClinVar:

NM_021922.3(FANCE):c.139C>T (p.Leu47Phe)

Genes: FANCE (FA complementation group E; plus strand), LOC129996245 (ATAC-STARR-seq lymphoblastoid silent region 17092; plus strand). Cytogenetic location: 6p21.31.
Variant type: single nucleotide variant.
Coding change: c.139C>T on transcript NM_021922.3 (MANE Select); coding-DNA position 139, C replaced by T.
Protein change: p.Leu47Phe; replaces leucine 47 with phenylalanine.
Molecular consequence: missense variant.
Genome position (GRCh38, 1-based): chr6:35,452,684, C>T. VCF-style: chr6-35452684-C-T. GRCh37 (hg19) VCF-style: chr6-35420461-C-T.
Other names: c.139C>T, p.Leu47Phe (NM_001410876.1); short protein forms L47F.
Identifiers: ClinVar variation 2188716 (VCV002188716.3), dbSNP rs1321668933, ClinGen allele CA363770352.

ClinVar aggregate classification (germline): Uncertain significance. Review status: criteria provided, multiple submitters, no conflicts (2 of 4 stars). 2 submissions from 2 submitters: Uncertain significance (2). Last evaluated 2025-12-17.

Conditions:
Inborn genetic diseases. Identifiers: MedGen C0950123, MeSH D030342.
Fanconi anemia complementation group E (FANCE). Also called: FANCE-Related Fanconi Anemia. Identifiers: Orphanet 84, MedGen C3160739, MONDO:0010953, OMIM 600901.

Allele frequency attached by ClinVar (database versions not stated): TOPMed 0.00001.

Submissions (2):

Labcorp Genetics (formerly Invitae), Labcorp
Classification: Uncertain significance for Fanconi anemia complementation group E. Last evaluated: 2025-12-17. Review status: criteria provided, single submitter. Criteria: Invitae Variant Classification Sherloc (09022015). Collection method: clinical testing. Allele origin: germline.
Comment: This sequence change replaces leucine, which is neutral and non-polar, with phenylalanine, which is neutral and non-polar, at codon 47 of the FANCE protein (p.Leu47Phe). This variant is not present in population databases (gnomAD no frequency). This variant has not been reported in the literature in individuals affected with FANCE-related conditions. ClinVar contains an entry for this variant (Variation ID: 2188716). Invitae Evidence Modeling of protein sequence and biophysical properties (such as structural, functional, and spatial information, amino acid conservation, physicochemical variation, residue mobility, and thermodynamic stability) indicates that this missense variant is not expected to disrupt FANCE protein function with a negative predictive value of 80%. In summary, the available evidence is currently insufficient to determine the role of this variant in disease. Therefore, it has been classified as a Variant of Uncertain Significance.

Ambry Genetics
Classification: Uncertain significance for Inborn genetic diseases. Last evaluated: 2025-05-17. Review status: criteria provided, single submitter. Criteria: Ambry Variant Classification Scheme 2023. Collection method: clinical testing. Allele origin: germline.